The following is an entry in ClinVar:

ClinVar aggregate classification (germline): Likely pathogenic. Review status: criteria provided, multiple submitters, no conflicts (2 of 4 stars). 4 submissions from 4 submitters: Likely pathogenic (3). 1 of the submissions does not count toward it. Last evaluated 2026-09-08.

Conditions:
TYR-related disorder. Also called: TYR-related condition.
Oculocutaneous albinism type 1. Also called: Albinism 1; ALBINISM I. Identifiers: Orphanet 352731, MedGen C0268494, MONDO:0018135. Disease mechanism: loss of function.

Allele frequency attached by ClinVar (database versions not stated): TOPMed below 0.00001; gnomAD 0.00003.

Submissions (4):

Myriad Genetics, Inc.
Classification: Likely pathogenic for Oculocutaneous albinism type 1. Last evaluated: 2026-09-08. Review status: criteria provided, single submitter. Criteria: Myriad Autosomal Dominant, Autosomal Recessive and X-Linked Classification Criteria (2023). Collection method: clinical testing. Allele origin: unknown.
Comment: NM_000372.4(TYR):c.289G>A(G97R) is a missense variant classified as likely pathogenic in the context of oculocutaneous albinism, TYR-related. G97R has been observed in cases with relevant disease (PMID: 10987646, 29437493, 37707835, 10671066). Relevant functional assessments of this variant are not available in the literature. Internal structural analysis of the variant is supportive of pathogenicity. G97R has not been observed in referenced population frequency databases. In summary, NM_000372.4(TYR):c.289G>A(G97R) is a missense variant that has internal structural support for pathogenicity and has been observed more frequently in cases with the relevant disease than in healthy populations. Please note: this variant was assessed in the context of healthy population screening.

Blueprint Genetics
Classification: Likely pathogenic for TYR-related disorders. Last evaluated: 2022-11-16. Review status: criteria provided, single submitter. Criteria: ACMG Guidelines, 2015. Collection method: clinical testing. Allele origin: germline. Affected: yes. Observed: 1 variant allele.

Labcorp Genetics (formerly Invitae), Labcorp
Classification: Likely pathogenic. Last evaluated: 2022-06-20. Review status: criteria provided, single submitter. Criteria: Invitae Variant Classification Sherloc (09022015). Collection method: clinical testing. Allele origin: germline.
Comment: This missense change has been observed in individual(s) with ocular albinism (PMID: 10987646). This variant is present in population databases (rs61753252, gnomAD 0.007%). Advanced modeling of protein sequence and biophysical properties (such as structural, functional, and spatial information, amino acid conservation, physicochemical variation, residue mobility, and thermodynamic stability) performed at Invitae indicates that this missense variant is expected to disrupt TYR protein function. This sequence change replaces glycine, which is neutral and non-polar, with arginine, which is basic and polar, at codon 97 of the TYR protein (p.Gly97Arg). ClinVar contains an entry for this variant (Variation ID: 99560). In summary, the currently available evidence indicates that the variant is pathogenic, but additional data are needed to prove that conclusively. Therefore, this variant has been classified as Likely Pathogenic. This variant disrupts the p.Gly97 amino acid residue in TYR. Other variant(s) that disrupt this residue have been determined to be pathogenic (PMID: 15381243, 27734839). This suggests that this residue is clinically significant, and that variants that disrupt this residue are likely to be disease-causing.

Retina International
No classification provided. Review status: no classification provided. Collection method: not provided. Allele origin: not provided. Not counted in ClinVar's aggregate classification.

Literature cited by the submitters: PubMed 10671066 (cited by Myriad Genetics, Inc.); PubMed 10987646 (cited by Myriad Genetics, Inc. and Labcorp Genetics (formerly Invitae), Labcorp); PubMed 29437493 (cited by Myriad Genetics, Inc.); PubMed 37707835 (cited by Myriad Genetics, Inc.); PubMed 15381243 (cited by Labcorp Genetics (formerly Invitae), Labcorp); PubMed 27734839 (cited by Labcorp Genetics (formerly Invitae), Labcorp).

NM_000372.5(TYR):c.289G>A (p.Gly97Arg)

Gene: TYR (tyrosinase; plus strand). Cytogenetic location: 11q14.3.
Variant type: single nucleotide variant.
Coding change: c.289G>A on transcript NM_000372.5 (MANE Select); coding-DNA position 289, G replaced by A.
Protein change: p.Gly97Arg; replaces glycine 97 with arginine.
Molecular consequence: missense variant.
Genome position (GRCh38, 1-based): chr11:89,178,242, G>A. VCF-style: chr11-89178242-G-A. GRCh37 (hg19) VCF-style: chr11-88911410-G-A.
Other names: short protein forms G97R.
Identifiers: ClinVar variation 99560 (VCV000099560.10), dbSNP rs61753252, ClinGen allele CA227556.